The following is an entry in ClinVar:

NM_000135.4(FANCA):c.4147A>G (p.Ser1383Gly)

Genes: ZNF276 (zinc finger protein 276; plus strand), FANCA (FA complementation group A; minus strand). Cytogenetic location: 16q24.3.
Variant type: single nucleotide variant.
Coding change: c.4147A>G on transcript NM_000135.4 (MANE Select); coding-DNA position 4147, A replaced by G.
Protein change: p.Ser1383Gly; replaces serine 1383 with glycine.
Molecular consequence: missense variant. On other transcripts: 3 prime UTR variant (2), non-coding transcript variant (4).
Genome position (GRCh38, 1-based): chr16:89,739,153, T>C on the plus strand (A>G on the coding strand, the complement: FANCA is on the minus strand). VCF-style: chr16-89739153-T-C. GRCh37 (hg19) VCF-style: chr16-89805561-T-C.
Other names: c.4147A>G, p.Ser1383Gly (NM_001286167.3); c.*907T>C (NM_001113525.2, NM_152287.4); c.4147A>G (NM_000135.3); short protein forms S1383G.
Identifiers: ClinVar variation 955187 (VCV000955187.9), dbSNP rs2062054242, ClinGen allele CA397484294.

ClinVar aggregate classification (germline): Uncertain significance. Review status: criteria provided, multiple submitters, no conflicts (2 of 4 stars). 3 submissions from 3 submitters: Uncertain significance (2). 1 of the submissions does not count toward it. Last evaluated 2025-08-20.

Conditions:
Inborn genetic diseases. Identifiers: MedGen C0950123, MeSH D030342.
Fanconi anemia (FA). Also called: Fanconi's anemia. Identifiers: Orphanet 84, MedGen C0015625, MeSH D005199, MONDO:0019391.

Submissions (3):

Ambry Genetics
Classification: Uncertain significance for Inborn genetic diseases. Last evaluated: 2025-08-20. Review status: criteria provided, single submitter. Criteria: Ambry Variant Classification Scheme 2023. Collection method: clinical testing. Allele origin: germline.
Comment: The p.S1383G variant (also known as c.4147A>G), located in coding exon 41 of the FANCA gene, results from an A to G substitution at nucleotide position 4147. The serine at codon 1383 is replaced by glycine, an amino acid with similar properties. This amino acid position is conserved. In addition, this alteration is predicted to be tolerated by in silico analysis. Based on the available evidence, the clinical significance of this variant remains unclear.

Labcorp Genetics (formerly Invitae), Labcorp
Classification: Uncertain significance for Fanconi anemia. Last evaluated: 2024-08-13. Review status: criteria provided, single submitter. Criteria: Invitae Variant Classification Sherloc (09022015). Collection method: clinical testing. Allele origin: germline.
Comment: This sequence change replaces serine, which is neutral and polar, with glycine, which is neutral and non-polar, at codon 1383 of the FANCA protein (p.Ser1383Gly). This variant is not present in population databases (gnomAD no frequency). This variant has not been reported in the literature in individuals affected with FANCA-related conditions. ClinVar contains an entry for this variant (Variation ID: 955187). Advanced modeling of protein sequence and biophysical properties (such as structural, functional, and spatial information, amino acid conservation, physicochemical variation, residue mobility, and thermodynamic stability) performed at Invitae indicates that this missense variant is not expected to disrupt FANCA protein function with a negative predictive value of 95%. In summary, the available evidence is currently insufficient to determine the role of this variant in disease. Therefore, it has been classified as a Variant of Uncertain Significance.

Natera, Inc.
Classification: Uncertain significance for Fanconi anemia. Last evaluated: 2025-04-15. Review status: no assertion criteria provided. Collection method: clinical testing. Allele origin: germline. Not counted in ClinVar's aggregate classification.